The following is an entry in ClinVar:

ClinVar aggregate classification (germline): Uncertain significance (1 of 4 stars; one submission).

gnomAD v4.1: 8 of 1,612,458 alleles (0.0005%); no homozygotes.

Submission:

Labcorp Genetics (formerly Invitae), Labcorp
Classification: Uncertain significance. Last evaluated: 2022-09-29. Review status: criteria provided, single submitter. Criteria: Invitae Variant Classification Sherloc (09022015). Collection method: clinical testing. Allele origin: germline.
Comment: This sequence change replaces leucine, which is neutral and non-polar, with phenylalanine, which is neutral and non-polar, at codon 379 of the MAP3K7 protein (p.Leu379Phe). This variant is not present in population databases (gnomAD no frequency). This variant has not been reported in the literature in individuals affected with MAP3K7-related conditions. Algorithms developed to predict the effect of missense changes on protein structure and function are either unavailable or do not agree on the potential impact of this missense change (SIFT: "Deleterious"; PolyPhen-2: "Benign"; Align-GVGD: "Class C0"). In summary, the available evidence is currently insufficient to determine the role of this variant in disease. Therefore, it has been classified as a Variant of Uncertain Significance.

NM_145331.3(MAP3K7):c.1137G>C (p.Leu379Phe)

Gene: MAP3K7 (mitogen-activated protein kinase kinase kinase 7; minus strand). Cytogenetic location: 6q15.
Variant type: single nucleotide variant.
Coding change: c.1137G>C on transcript NM_145331.3 (MANE Select); coding-DNA position 1137, G replaced by C.
Protein change: p.Leu379Phe; replaces leucine 379 with phenylalanine.
Molecular consequence: missense variant.
Genome position (GRCh38, 1-based): chr6:90,547,331, C>G on the plus strand (G>C on the coding strand, the complement: MAP3K7 is on the minus strand). VCF-style: chr6-90547331-C-G. GRCh37 (hg19) VCF-style: chr6-91257050-C-G.
Other names: c.1137G>C, p.Leu379Phe (NM_003188.4, NM_145332.3, NM_145333.3); short protein forms L379F.
Identifiers: ClinVar variation 1944203 (VCV001944203.5), dbSNP rs751184932, ClinGen allele CA365008720.
Genomic context (GRCh38, chr6:90,547,331, plus strand): 5'-GATCCTAGCTTCTATTTCAGACATGTCAGCACTCATCCTCTTGCCCTCAGAGGTTGGGGG[C>G]AAGCTCTCCACACTGCTCCCACGGGAGGCTCCCAAGCTTAAACGTCCAGATTCACTCTGT-3'
Protein context (NP_663304.1, residues 369-389): GASRGSSVES[Leu379Phe]PPTSEGKRMS